The following is an entry in ClinVar:

ClinVar aggregate classification (germline): Uncertain significance (1 of 4 stars; one submission).

Conditions:
Deficiency of UDPglucose-hexose-1-phosphate uridylyltransferase. Also called: GALACTOSEMIA I; GALT deficiency; Galactosemia, classic; Transferase Deficiency Galactosemia; GALACTOSE-1-PHOSPHATE URIDYLYLTRANSFERASE DEFICIENCY. Identifiers: Orphanet 352, Orphanet 79239, MedGen C0268151, MONDO:0009258, OMIM 230400.

gnomAD v4.1: 2 of 1,613,968 alleles (0.00012%); highest among the groups gnomAD compares: South Asian, 0.0011%; no homozygotes.

Submission:

Labcorp Genetics (formerly Invitae), Labcorp
Classification: Uncertain significance for Deficiency of UDPglucose-hexose-1-phosphate uridylyltransferase. Last evaluated: 2019-10-31. Review status: criteria provided, single submitter. Criteria: Invitae Variant Classification Sherloc (09022015). Collection method: clinical testing. Allele origin: germline.
Comment: In summary, the available evidence is currently insufficient to determine the role of this variant in disease. Therefore, it has been classified as a Variant of Uncertain Significance. Algorithms developed to predict the effect of sequence changes on RNA splicing suggest that this variant is not likely to affect RNA splicing, but this prediction has not been confirmed by published transcriptional studies. This variant has been observed in individual(s) with galactosemia (PMID: 23749220). This variant is not present in population databases (ExAC no frequency). This sequence change falls in intron 3 of the GALT gene. It does not directly change the encoded amino acid sequence of the GALT protein.

Literature cited by the submitters: PubMed 23749220.

NM_000155.4(GALT):c.328+33G>A

Gene: GALT (galactose-1-phosphate uridylyltransferase; plus strand). Cytogenetic location: 9p13.3.
Variant type: single nucleotide variant.
Coding change: c.328+33G>A on transcript NM_000155.4 (MANE Select); 33 bases into the intron after coding-DNA position 328, G replaced by A.
Molecular consequence: intron variant.
Genome position (GRCh38, 1-based): chr9:34,647,600, G>A. VCF-style: chr9-34647600-G-A. GRCh37 (hg19) VCF-style: chr9-34647597-G-A.
Other names: c.51-232G>A (NM_001258332.2).
Identifiers: ClinVar variation 956778 (VCV000956778.10), dbSNP rs767197888, ClinGen allele CA1139660918.